The following is an entry in ClinVar:

NM_024675.4(PALB2):c.981T>G (p.Cys327Trp)

Gene: PALB2 (partner and localizer of BRCA2; minus strand). Cytogenetic location: 16p12.2.
Variant type: single nucleotide variant.
Coding change: c.981T>G on transcript NM_024675.4 (MANE Select); coding-DNA position 981, T replaced by G.
Protein change: p.Cys327Trp; replaces cysteine 327 with tryptophan.
Molecular consequence: missense variant.
Genome position (GRCh38, 1-based): chr16:23,635,565, A>C on the plus strand (T>G on the coding strand, the complement: PALB2 is on the minus strand). VCF-style: chr16-23635565-A-C. GRCh37 (hg19) VCF-style: chr16-23646886-A-C.
Other names: c.921T>G, p.Cys307Trp (NM_001407296.1); c.981T>G, p.Cys327Trp (NM_001407297.1, NM_001407298.1, NM_001407299.1 and 3 more transcripts); c.96T>G, p.Cys32Trp (NM_001407304.1, NM_001407305.1, NM_001407306.1 and 5 more transcripts); short protein forms C307W, C327W, C32W.
Identifiers: ClinVar variation 1809915 (VCV001809915.1), dbSNP rs1967004526, ClinGen allele CA395134776.

ClinVar aggregate classification (germline): Uncertain significance (1 of 4 stars; one submission).

Submission:

GeneDx
Classification: Uncertain significance. Last evaluated: 2022-06-28. Review status: criteria provided, single submitter. Criteria: GeneDx Variant Classification Process June 2021. Collection method: clinical testing. Allele origin: germline. Affected: yes.
Comment: Not observed at significant frequency in large population cohorts (gnomAD); In silico analysis supports that this missense variant has a deleterious effect on protein structure/function; Has not been previously published as pathogenic or benign to our knowledge